The following is an entry in ClinVar:

NM_032634.4(PIGO):c.102G>A (p.Glu34=)

Gene: PIGO (phosphatidylinositol glycan anchor biosynthesis class O; minus strand). Cytogenetic location: 9p13.3.
Variant type: single nucleotide variant.
Coding change: c.102G>A on transcript NM_032634.4 (MANE Select); coding-DNA position 102, G replaced by A.
Protein change: p.Glu34=; no amino-acid change (glutamic acid 34 retained).
Molecular consequence: synonymous variant.
Genome position (GRCh38, 1-based): chr9:35,095,464, C>T on the plus strand (G>A on the coding strand, the complement: PIGO is on the minus strand). VCF-style: chr9-35095464-C-T. GRCh37 (hg19) VCF-style: chr9-35095461-C-T.
Other names: c.102G>A, p.Glu34= (NM_001201484.2, NM_152850.4).
Identifiers: ClinVar variation 389486 (VCV000389486.1), dbSNP rs1057523446, ClinGen allele CA16606537.

ClinVar aggregate classification (germline): Likely benign (1 of 4 stars; one submission).

Allele frequency attached by ClinVar (database versions not stated): gnomAD exomes below 0.00001.
gnomAD v4.1: 1 of 1,613,728 alleles (0.000062%); highest among the groups gnomAD compares: Non-Finnish European, 0.000085%; no homozygotes.

Submission:

GeneDx
Classification: Likely benign. Last evaluated: 2016-09-21. Review status: criteria provided, single submitter. Criteria: GeneDx Variant Classification (06012015). Collection method: clinical testing. Allele origin: germline. Affected: yes.
Comment: This variant is considered likely benign or benign based on one or more of the following criteria: it is a conservative change, it occurs at a poorly conserved position in the protein, it is predicted to be benign by multiple in silico algorithms, and/or has population frequency not consistent with disease.